The following is an entry in ClinVar:

ClinVar aggregate classification (germline): Uncertain significance. Review status: criteria provided, multiple submitters, no conflicts (2 of 4 stars). 2 submissions from 2 submitters: Uncertain significance (2). Last evaluated 2025-08-18.

Conditions:
Primary dilated cardiomyopathy (DCM). Also called: Dilated Cardiomyopathy. Identifiers: Orphanet 217604, MedGen C0007193, MeSH D002311, MONDO:0005021, HP:0001644. Inheritance: Various modes of inheritance.

Allele frequency attached by ClinVar (database versions not stated): gnomAD exomes 0.00001 and 0.00002; ExAC 0.00002; ESP Exome Variant Server 0.00008; TOPMed 0.00015.
gnomAD v4.1: 28 of 1,613,908 alleles (0.0017%); highest among the groups gnomAD compares: African/African-American, 0.036%; no homozygotes.

Submissions (2):

Labcorp Genetics (formerly Invitae), Labcorp
Classification: Uncertain significance for Primary dilated cardiomyopathy. Last evaluated: 2025-08-18. Review status: criteria provided, single submitter. Criteria: Invitae Variant Classification Sherloc (09022015). Collection method: clinical testing. Allele origin: germline.
Comment: This sequence change replaces valine, which is neutral and non-polar, with methionine, which is neutral and non-polar, at codon 676 of the NEBL protein (p.Val676Met). This variant is present in population databases (rs149878829, gnomAD 0.04%). This variant has not been reported in the literature in individuals affected with NEBL-related conditions. ClinVar contains an entry for this variant (Variation ID: 846481). An algorithm developed to predict the effect of missense changes on protein structure and function (PolyPhen-2) suggests that this variant is likely to be disruptive. In summary, the available evidence is currently insufficient to determine the role of this variant in disease. Therefore, it has been classified as a Variant of Uncertain Significance.

Ambry Genetics
Classification: Uncertain significance. Last evaluated: 2025-04-06. Review status: criteria provided, single submitter. Criteria: Ambry Variant Classification Scheme 2023. Collection method: clinical testing. Allele origin: germline.

NM_006393.3(NEBL):c.2026G>A (p.Val676Met)

Gene: NEBL (nebulette; minus strand). Cytogenetic location: 10p12.31.
Variant type: single nucleotide variant.
Coding change: c.2026G>A on transcript NM_006393.3 (MANE Select); coding-DNA position 2026, G replaced by A.
Protein change: p.Val676Met; replaces valine 676 with methionine.
Molecular consequence: missense variant. On other transcripts: intron variant (9).
Genome position (GRCh38, 1-based): chr10:20,819,453, C>T on the plus strand (G>A on the coding strand, the complement: NEBL is on the minus strand). VCF-style: chr10-20819453-C-T. GRCh37 (hg19) VCF-style: chr10-21108382-C-T.
Other names: c.250-6513G>A (NM_001377326.1, NM_001377327.1, NM_001377328.1); c.358-6513G>A (NM_213569.2, NM_001173484.2, NM_001377322.1); c.301-6513G>A (NM_001377324.1); c.292-6513G>A (NM_001377325.1); c.310-6513G>A (NM_001377323.1); short protein forms V676M.
Identifiers: ClinVar variation 846481 (VCV000846481.11), dbSNP rs149878829, ClinGen allele CA5432642.
Genomic context (GRCh38, chr10:20,819,453, plus strand): 5'-GAAAATATAAAAGGAAACAGAAACGACTTGCCGCACTCAGCTGCTCCTGGTTTCGCCTCA[C>T]TCTCTCTATCTCCGGGGTCATGCTTACCGGAGTGGCCTTGTAGTTTTGCTCTTTATACTG-3'
Protein context (NP_006384.1, residues 666-686): PVSMTPEIER[Val676Met]RRNQEQLSAV